The following is an entry in ClinVar:

NM_002878.4(RAD51D):c.893C>T (p.Ser298Phe)

Genes: RAD51L3-RFFL (RAD51L3-RFFL readthrough; minus strand), RAD51D (RAD51 paralog D; minus strand). Cytogenetic location: 17q12.
Variant type: single nucleotide variant.
Coding change: c.893C>T on transcript NM_002878.4 (MANE Select); coding-DNA position 893, C replaced by T.
Protein change: p.Ser298Phe; replaces serine 298 with phenylalanine.
Molecular consequence: missense variant. On other transcripts: non-coding transcript variant (3).
Genome position (GRCh38, 1-based): chr17:35,101,211, G>A on the plus strand (C>T on the coding strand, the complement: RAD51D is on the minus strand). VCF-style: chr17-35101211-G-A. GRCh37 (hg19) VCF-style: chr17-33428230-G-A.
Other names: c.953C>T, p.Ser318Phe (NM_001142571.2); c.557C>T, p.Ser186Phe (NM_133629.3); short protein forms S186F, S318F, S298F.
Identifiers: ClinVar variation 844909 (VCV000844909.8), dbSNP rs2091531714, ClinGen allele CA399086284.

ClinVar aggregate classification (germline): Uncertain significance (1 of 4 stars; one submission).

Conditions:
Breast-ovarian cancer, familial, susceptibility to, 4. Identifiers: Orphanet 145, MedGen C3280345, MONDO:0013669, OMIM 614291.

Submission:

Labcorp Genetics (formerly Invitae), Labcorp
Classification: Uncertain significance for Breast-ovarian cancer, familial, susceptibility to, 4. Last evaluated: 2020-02-08. Review status: criteria provided, single submitter. Criteria: Invitae Variant Classification Sherloc (09022015). Collection method: clinical testing. Allele origin: germline.
Comment: In summary, the available evidence is currently insufficient to determine the role of this variant in disease. Therefore, it has been classified as a Variant of Uncertain Significance. Algorithms developed to predict the effect of missense changes on protein structure and function (SIFT, PolyPhen-2, Align-GVGD) all suggest that this variant is likely to be disruptive, but these predictions have not been confirmed by published functional studies and their clinical significance is uncertain. This variant has not been reported in the literature in individuals with RAD51D-related conditions. This variant is not present in population databases (ExAC no frequency). This sequence change replaces serine with phenylalanine at codon 298 of the RAD51D protein (p.Ser298Phe). The serine residue is highly conserved and there is a large physicochemical difference between serine and phenylalanine.